The following is an entry in ClinVar:

ClinVar aggregate classification (germline): Uncertain significance. Review status: criteria provided, multiple submitters, no conflicts (2 of 4 stars). 2 submissions from 2 submitters: Uncertain significance (2). Last evaluated 2024-01-19.

Conditions:
Spinocerebellar ataxia type 13 (SCA13). Also called: Spinocerebellar Ataxia Type13. Identifiers: Orphanet 98768, MedGen C1854488, MONDO:0011529, OMIM 605259.

Allele frequency attached by ClinVar (database versions not stated): gnomAD exomes below 0.00001; TOPMed below 0.00001; ExAC 0.00001; gnomAD 0.00001.

Submissions (2):

Baylor Genetics
Classification: Uncertain significance for Spinocerebellar ataxia type 13. Last evaluated: 2024-01-19. Review status: criteria provided, single submitter. Criteria: ACMG Guidelines, 2015. Collection method: clinical testing. Allele origin: unknown.

Athena Diagnostics
Classification: Uncertain significance. Last evaluated: 2023-07-27. Review status: criteria provided, single submitter. Criteria: Athena Diagnostics Criteria. Collection method: clinical testing. Allele origin: unknown.
Comment: Available data are insufficient to determine the clinical significance of the variant at this time. The frequency of this variant in the general population is uninformative in assessment of its pathogenicity. Computational tools disagree on the variant's effect on normal protein function.

NM_004977.3(KCNC3):c.1474A>G (p.Ile492Val)

Gene: KCNC3 (potassium voltage-gated channel subfamily C member 3; minus strand). Cytogenetic location: 19q13.33.
Variant type: single nucleotide variant.
Coding change: c.1474A>G on transcript NM_004977.3 (MANE Select); coding-DNA position 1474, A replaced by G.
Protein change: p.Ile492Val; replaces isoleucine 492 with valine.
Molecular consequence: missense variant.
Genome position (GRCh38, 1-based): chr19:50,323,479, T>C on the plus strand (A>G on the coding strand, the complement: KCNC3 is on the minus strand). VCF-style: chr19-50323479-T-C. GRCh37 (hg19) VCF-style: chr19-50826736-T-C.
Other names: c.1246A>G, p.Ile416Val (NM_001372305.1); short protein forms I416V, I492V.
Identifiers: ClinVar variation 2684248 (VCV002684248.2), dbSNP rs766234894, ClinGen allele CA9594231.